The following is an entry in ClinVar:

NM_012243.3(SLC35A3):c.470C>T (p.Pro157Leu)

Gene: SLC35A3 (solute carrier family 35 member A3; plus strand). Cytogenetic location: 1p21.2.
Variant type: single nucleotide variant.
Coding change: c.470C>T on transcript NM_012243.3 (MANE Select); coding-DNA position 470, C replaced by T.
Protein change: p.Pro157Leu; replaces proline 157 with leucine.
Molecular consequence: missense variant.
Genome position (GRCh38, 1-based): chr1:100,011,369, C>T. VCF-style: chr1-100011369-C-T. GRCh37 (hg19) VCF-style: chr1-100476925-C-T.
Other names: c.470C>T, p.Pro157Leu (NM_001271684.2); c.596C>T, p.Pro199Leu (NM_001271685.2); c.470C>T (NM_012243.1); short protein forms P199L, P157L.
Identifiers: ClinVar variation 930803 (VCV000930803.4), dbSNP rs890225731, ClinGen allele CA27548704.
Genomic context (GRCh38, chr1:100,011,369, plus strand): 5'-GTTTATGTAAAATGTTATGGAAATTAAACTTCAATTTTATTTTTCTTCTTATTTAGTGGC[C>T]CTCAGATTCTCAGCTTGATTCTAAGGAACTTTCAGCTGGTTCTCAATTTGTAGGACTCAT-3'
Protein context (NP_036375.1, residues 147-167): LMTGVAFVQW[Pro157Leu]SDSQLDSKEL

ClinVar aggregate classification (germline): Uncertain significance. Review status: criteria provided, multiple submitters, no conflicts (2 of 4 stars). 2 submissions from 2 submitters: Uncertain significance (2). Last evaluated 2024-07-02.

Conditions:
Inborn genetic diseases. Identifiers: MedGen C0950123, MeSH D030342.
Autism spectrum disorder - epilepsy - arthrogryposis syndrome (AMRS). Identifiers: Orphanet 370943, MedGen C3809910, MONDO:0014248, OMIM 615553.

Allele frequency attached by ClinVar (database versions not stated): TOPMed below 0.00001; gnomAD 0.00001; gnomAD exomes 0.00001.
gnomAD v4.1: 12 of 1,482,886 alleles (0.00081%); highest among the groups gnomAD compares: South Asian, 0.0028%; no homozygotes.

Submissions (2):

Ambry Genetics
Classification: Uncertain significance for Inborn genetic diseases. Last evaluated: 2024-07-02. Review status: criteria provided, single submitter. Criteria: Ambry Variant Classification Scheme 2023. Collection method: clinical testing. Allele origin: germline.

Centre for Mendelian Genomics, University Medical Centre Ljubljana
Classification: Uncertain significance for Autism spectrum disorder - epilepsy - arthrogryposis syndrome. Last evaluated: 2019-08-12. Review status: criteria provided, single submitter. Criteria: ACMG Guidelines, 2015. Collection method: clinical testing. Allele origin: unknown. Affected: yes.
Comment: This variant was classified as: Uncertain significance. The available evidence on this variant's pathogenicity is insufficient or conflicting. The following ACMG criteria were applied in classifying this variant: PM2,PP3.